The following is an entry in ClinVar:

ClinVar aggregate classification (germline): Benign. Review status: criteria provided, single submitter (1 of 4 stars). 2 submissions from 2 submitters: Benign (1). 1 of the submissions does not count toward it. Last evaluated 2018-06-29.

Conditions:
PLAGL1-related disorder. Also called: PLAGL1-related condition.

Allele frequency attached by ClinVar (database versions not stated): gnomAD 0.00040 and 0.00062; gnomAD exomes 0.00053 and 0.00132; TOPMed 0.00059; ExAC 0.00129; 1000 Genomes Project 30x 0.00375; 1000 Genomes Project 0.00419.
gnomAD v4.1: 885 of 1,614,092 alleles (0.055%); highest among the groups gnomAD compares: East Asian, 1.8%; 13 homozygotes.

Submissions (2):

Labcorp Genetics (formerly Invitae), Labcorp
Classification: Benign. Last evaluated: 2018-06-29. Review status: criteria provided, single submitter. Criteria: Invitae Variant Classification Sherloc (09022015). Collection method: clinical testing. Allele origin: germline.

PreventionGenetics, part of Exact Sciences
Classification: Benign for PLAGL1-related condition. Last evaluated: 2019-04-09. Review status: no assertion criteria provided. Collection method: clinical testing. Allele origin: germline. Not counted in ClinVar's aggregate classification.
Comment: This variant is classified as benign based on ACMG/AMP sequence variant interpretation guidelines (Richards et al. 2015 PMID: 25741868, with internal and published modifications).

NM_001317162.2(PLAGL1):c.679A>G (p.Thr227Ala)

Gene: PLAGL1 (PLAG1 like zinc finger 1; minus strand). Cytogenetic location: 6q24.2.
Variant type: single nucleotide variant.
Coding change: c.679A>G on transcript NM_001317162.2 (MANE Select); coding-DNA position 679, A replaced by G.
Protein change: p.Thr227Ala; replaces threonine 227 with alanine.
Molecular consequence: missense variant.
Genome position (GRCh38, 1-based): chr6:143,942,137, T>C on the plus strand (A>G on the coding strand, the complement: PLAGL1 is on the minus strand). VCF-style: chr6-143942137-T-C. GRCh37 (hg19) VCF-style: chr6-144263274-T-C.
Other names: c.679A>G, p.Thr227Ala (NM_001080951.3, NM_001080952.3, NM_001080953.3 and 14 more transcripts); c.523A>G, p.Thr175Ala (NM_001080955.3, NM_001080956.3, NM_001289037.2 and 6 more transcripts); short protein forms T175A, T227A.
Identifiers: ClinVar variation 728226 (VCV000728226.5), dbSNP rs17847328, ClinGen allele CA4031400.